The following is an entry in ClinVar:

ClinVar aggregate classification (germline): Uncertain significance (1 of 4 stars; one submission).

Conditions:
PLXNA2-related disorder. Also called: PLXNA2-related condition.

gnomAD v4.1: 1 of 1,614,052 alleles (0.000062%); no homozygotes.

Submission:

PreventionGenetics, part of Exact Sciences
Classification: Uncertain significance for PLXNA2-related condition. Last evaluated: 2026-03-18. Review status: criteria provided, single submitter. Criteria: ACMG Guidelines, 2015. Collection method: clinical testing. Allele origin: germline.
Comment: The PLXNA2 c.3529G>A variant is predicted to result in the amino acid substitution p.Ala1177Thr. To our knowledge, this variant has not been reported in the literature. This variant is reported in 0.0029% of alleles in individuals of Latino descent in gnomAD. At this time, the clinical significance of this variant is uncertain due to the absence of conclusive functional and genetic evidence.

NM_025179.4(PLXNA2):c.3529G>A (p.Ala1177Thr)

Gene: PLXNA2 (plexin A2; minus strand). Cytogenetic location: 1q32.2.
Variant type: single nucleotide variant.
Coding change: c.3529G>A on transcript NM_025179.4 (MANE Select); coding-DNA position 3529, G replaced by A.
Protein change: p.Ala1177Thr; replaces alanine 1177 with threonine.
Molecular consequence: missense variant.
Genome position (GRCh38, 1-based): chr1:208,045,177, C>T on the plus strand (G>A on the coding strand, the complement: PLXNA2 is on the minus strand). VCF-style: chr1-208045177-C-T. GRCh37 (hg19) VCF-style: chr1-208218522-C-T.
Other names: short protein forms A1177T.
Identifiers: ClinVar variation 4986128 (VCV004986128.1).